The following is an entry in ClinVar:

ClinVar aggregate classification (germline): Benign (1 of 4 stars; one submission).

Conditions:
Familial cancer of breast. Also called: hereditary breast carcinoma; BREAST CANCER, FAMILIAL; Hereditary breast cancer. Identifiers: Orphanet 227535, MedGen C0346153, MONDO:0016419, OMIM 114480. Disease mechanism: loss of function.

Submission:

Myriad Genetics, Inc.
Classification: Benign for Familial cancer of breast. Last evaluated: 2024-06-18. Review status: criteria provided, single submitter. Criteria: Myriad Autosomal Dominant, Autosomal Recessive and X-Linked Classification Criteria (2023). Collection method: clinical testing. Allele origin: unknown.
Comment: This variant is considered benign. This variant is a silent/synonymous amino acid change and it is not expected to impact splicing.

NM_000051.4(ATM):c.8241G>A (p.Lys2747=)

Genes: ATM (ATM serine/threonine kinase; plus strand), C11orf65 (chromosome 11 open reading frame 65; minus strand). Cytogenetic location: 11q22.3.
Variant type: single nucleotide variant.
Coding change: c.8241G>A on transcript NM_000051.4 (MANE Select); coding-DNA position 8241, G replaced by A.
Protein change: p.Lys2747=; no amino-acid change (lysine 2747 retained).
Molecular consequence: synonymous variant. On other transcripts: intron variant (2).
Genome position (GRCh38, 1-based): chr11:108,335,934, G>A. VCF-style: chr11-108335934-G-A. GRCh37 (hg19) VCF-style: chr11-108206661-G-A.
Other names: c.8241G>A, p.Lys2747= (NM_001351834.2); c.641-26863C>T (NM_001330368.2); c.695-642C>T (NM_001351110.2).
Identifiers: ClinVar variation 3253940 (VCV003253940.1), dbSNP rs2547348262.
Genomic context (GRCh38, chr11:108,335,934, plus strand): 5'-CATGCAACAGGTCTTCCAGATGTGTAATACATTACTGCAGAGAAACACGGAAACTAGGAA[G>A]AGGAAATTAACTATCTGTACTTATAAGGTAACTATTTGTACTTCTGTTAGTTCACCAAAA-3'
Protein context (NP_000042.3, residues 2737-2757): TLLQRNTETR[Lys2747=]RKLTICTYKV